The following is an entry in ClinVar:

NM_018139.3(DNAAF2):c.1120G>C (p.Gly374Arg)

Genes: DNAAF2 (dynein axonemal assembly factor 2; minus strand), LOC130055542 (ATAC-STARR-seq lymphoblastoid silent region 5699; plus strand). Cytogenetic location: 14q21.3.
Variant type: single nucleotide variant.
Coding change: c.1120G>C on transcript NM_018139.3 (MANE Select); coding-DNA position 1120, G replaced by C.
Protein change: p.Gly374Arg; replaces glycine 374 with arginine.
Molecular consequence: missense variant.
Genome position (GRCh38, 1-based): chr14:49,634,030, C>G on the plus strand (G>C on the coding strand, the complement: DNAAF2 is on the minus strand). VCF-style: chr14-49634030-C-G. GRCh37 (hg19) VCF-style: chr14-50100748-C-G.
Other names: c.1120G>C, p.Gly374Arg (NM_001083908.2); short protein forms G374R.
Identifiers: ClinVar variation 313281 (VCV000313281.14), dbSNP rs886050527, ClinGen allele CA10640240.

ClinVar aggregate classification (germline): Uncertain significance. Review status: criteria provided, multiple submitters, no conflicts (2 of 4 stars). 3 submissions from 3 submitters: Uncertain significance (3). Last evaluated 2025-09-17.

Conditions:
Primary ciliary dyskinesia. Also called: Ciliary dyskinesia. Identifiers: Orphanet 244, MedGen C0008780, MONDO:0016575, HP:0012265.
Primary ciliary dyskinesia 10. Also called: CILIARY DYSKINESIA, PRIMARY, 10, WITH OR WITHOUT SITUS INVERSUS. Identifiers: Orphanet 244, MedGen C2675867, MONDO:0012918, OMIM 612518.

Allele frequency attached by ClinVar (database versions not stated): gnomAD 0.00003; gnomAD exomes 0.00003; TOPMed 0.00004.

Submissions (3):

Ambry Genetics
Classification: Uncertain significance for Primary ciliary dyskinesia. Last evaluated: 2025-09-17. Review status: criteria provided, single submitter. Criteria: Ambry Variant Classification Scheme 2023. Collection method: clinical testing. Allele origin: germline.
Comment: The p.G374R variant (also known as c.1120G>C), located in coding exon 1 of the DNAAF2 gene, results from a G to C substitution at nucleotide position 1120. The glycine at codon 374 is replaced by arginine, an amino acid with dissimilar properties. This amino acid position is conserved. In addition, this alteration is predicted to be tolerated by in silico analysis. Since supporting evidence is limited at this time, the clinical significance of this alteration remains unclear.

Labcorp Genetics (formerly Invitae), Labcorp
Classification: Uncertain significance for Primary ciliary dyskinesia. Last evaluated: 2021-02-16. Review status: criteria provided, single submitter. Criteria: Invitae Variant Classification Sherloc (09022015). Collection method: clinical testing. Allele origin: germline.
Comment: In summary, the available evidence is currently insufficient to determine the role of this variant in disease. Therefore, it has been classified as a Variant of Uncertain Significance. Algorithms developed to predict the effect of missense changes on protein structure and function are either unavailable or do not agree on the potential impact of this missense change (SIFT: "Deleterious"; PolyPhen-2: "Possibly Damaging"; Align-GVGD: "Class C0"). This variant has not been reported in the literature in individuals with DNAAF2-related conditions. ClinVar contains an entry for this variant (Variation ID: 313281). The frequency data for this variant in the population databases is considered unreliable, as metrics indicate insufficient coverage at this position in the ExAC database. This sequence change replaces glycine with arginine at codon 374 of the DNAAF2 protein (p.Gly374Arg). The glycine residue is weakly conserved and there is a moderate physicochemical difference between glycine and arginine.

Illumina Laboratory Services, Illumina
Classification: Uncertain significance for Primary ciliary dyskinesia 10. Last evaluated: 2018-01-13. Review status: criteria provided, single submitter. Criteria: ICSL Variant Classification Criteria 13 December 2019. Collection method: clinical testing. Allele origin: germline.